The following is an entry in ClinVar:

ClinVar aggregate classification (germline): Conflicting classifications of pathogenicity. Review status: criteria provided, conflicting classifications (1 of 4 stars). 4 submissions from 3 submitters: Uncertain significance (3); Likely benign (1). Last evaluated 2025-04-17.

Conditions:
Familial cutaneous telangiectasia and oropharyngeal predisposition cancer syndrome. Identifiers: Orphanet 313846, MedGen C3281203, MONDO:0013806, OMIM 614564.
Seckel syndrome 1 (SCKL1). Also called: MICROCEPHALIC PRIMORDIAL DWARFISM I. Identifiers: Orphanet 808, MedGen C4551474, MONDO:0008869, OMIM 210600.
Inborn genetic diseases. Identifiers: MedGen C0950123, MeSH D030342.

Allele frequency attached by ClinVar (database versions not stated): TOPMed below 0.00001; gnomAD 0.00001; gnomAD exomes 0.00001 and 0.00002; ExAC 0.00003.
gnomAD v4.1: 7 of 1,613,826 alleles (0.00043%); highest among the groups gnomAD compares: East Asian, 0.013%; no homozygotes.

Submissions (4):

Labcorp Genetics (formerly Invitae), Labcorp
Classification: Uncertain significance. Last evaluated: 2025-04-17. Review status: criteria provided, single submitter. Criteria: Invitae Variant Classification Sherloc (09022015). Collection method: clinical testing. Allele origin: germline.
Comment: This sequence change replaces isoleucine, which is neutral and non-polar, with threonine, which is neutral and polar, at codon 2267 of the ATR protein (p.Ile2267Thr). This variant is present in population databases (rs775198036, gnomAD 0.03%). This variant has not been reported in the literature in individuals affected with ATR-related conditions. ClinVar contains an entry for this variant (Variation ID: 1034823). An algorithm developed to predict the effect of missense changes on protein structure and function (PolyPhen-2) suggests that this variant is likely to be disruptive. In summary, the available evidence is currently insufficient to determine the role of this variant in disease. Therefore, it has been classified as a Variant of Uncertain Significance.

Ambry Genetics
Classification: Likely benign for Inborn genetic diseases. Last evaluated: 2024-03-07. Review status: criteria provided, single submitter. Criteria: Ambry Variant Classification Scheme 2023. Collection method: clinical testing. Allele origin: germline.

Genome-Nilou Lab
Classification: Uncertain significance for Seckel syndrome 1. Last evaluated: 2023-02-08. Review status: criteria provided, single submitter. Criteria: ACMG Guidelines, 2015. Collection method: clinical testing. Allele origin: germline.

Genome-Nilou Lab
Classification: Uncertain significance for Familial cutaneous telangiectasia and oropharyngeal predisposition cancer syndrome. Last evaluated: 2023-02-08. Review status: criteria provided, single submitter. Criteria: ACMG Guidelines, 2015. Collection method: clinical testing. Allele origin: germline.

NM_001184.4(ATR):c.6800T>C (p.Ile2267Thr)

Gene: ATR (ATR checkpoint kinase; minus strand). Cytogenetic location: 3q23.
Variant type: single nucleotide variant.
Coding change: c.6800T>C on transcript NM_001184.4 (MANE Select); coding-DNA position 6800, T replaced by C.
Protein change: p.Ile2267Thr; replaces isoleucine 2267 with threonine.
Molecular consequence: missense variant.
Genome position (GRCh38, 1-based): chr3:142,466,421, A>G on the plus strand (T>C on the coding strand, the complement: ATR is on the minus strand). VCF-style: chr3-142466421-A-G. GRCh37 (hg19) VCF-style: chr3-142185263-A-G.
Other names: c.6608T>C, p.Ile2203Thr (NM_001354579.2); short protein forms I2203T, I2267T.
Identifiers: ClinVar variation 1034823 (VCV001034823.11), dbSNP rs775198036, ClinGen allele CA2649269.
Genomic context (GRCh38, chr3:142,466,421, plus strand): 5'-GGAAATGGTTCATGGCTAGCATGGTTAGCATGGGTACCCAGAATTGATGGAAGTGTAGGT[A>G]TCATGACTGATTGTAGAGGAATGAGGATTTCACTAAATGTTGCTTCTTCTACCAGCTTTT-3'
Protein context (NP_001175.2, residues 2257-2277): EILIPLQSVM[Ile2267Thr]PTLPSILGTH